The following is an entry in ClinVar:

ClinVar aggregate classification (germline): Uncertain significance (1 of 4 stars; one submission).

Submission:

Labcorp Genetics (formerly Invitae), Labcorp
Classification: Uncertain significance. Last evaluated: 2025-05-05. Review status: criteria provided, single submitter. Criteria: Invitae Variant Classification Sherloc (09022015). Collection method: clinical testing. Allele origin: germline.
Comment: This sequence change creates a premature translational stop signal (p.Gln363*) in the TBX20 gene. While this is not anticipated to result in nonsense mediated decay, it is expected to disrupt the last 85 amino acid(s) of the TBX20 protein. This variant is not present in population databases (gnomAD no frequency). This variant has not been reported in the literature in individuals affected with TBX20-related conditions. ClinVar contains an entry for this variant (Variation ID: 1408484). Experimental studies and prediction algorithms are not available or were not evaluated, and the functional significance of this variant is currently unknown. In summary, the available evidence is currently insufficient to determine the role of this variant in disease. Therefore, it has been classified as a Variant of Uncertain Significance.

NM_001077653.2(TBX20):c.1087C>T (p.Gln363Ter)

Gene: TBX20 (T-box transcription factor 20; minus strand). Cytogenetic location: 7p14.2.
Variant type: single nucleotide variant.
Coding change: c.1087C>T on transcript NM_001077653.2 (MANE Select); coding-DNA position 1087, C replaced by T.
Protein change: p.Gln363Ter; replaces glutamine 363 with a stop codon.
Molecular consequence: nonsense.
Genome position (GRCh38, 1-based): chr7:35,202,687, G>A on the plus strand (C>T on the coding strand, the complement: TBX20 is on the minus strand). VCF-style: chr7-35202687-G-A. GRCh37 (hg19) VCF-style: chr7-35242299-G-A.
Other names: short protein forms Q363*.
Identifiers: ClinVar variation 1408484 (VCV001408484.6), dbSNP rs2128709457, ClinGen allele CA367263236.